The following is an entry in ClinVar:

ClinVar aggregate classification (germline): Uncertain significance (1 of 4 stars; one submission).

Conditions:
Autosomal dominant limb-girdle muscular dystrophy type 1G (LGMDD3). Also called: Limb-girdle muscular dystrophy, type 1G; MUSCULAR DYSTROPHY, LIMB-GIRDLE, AUTOSOMAL DOMINANT 3. Identifiers: Orphanet 55596, MedGen C1836765, MONDO:0012193, OMIM 609115.

gnomAD v4.1: 4 of 1,481,172 alleles (0.00027%); highest among the groups gnomAD compares: Admixed American, 0.005%; no homozygotes.

Submission:

Labcorp Genetics (formerly Invitae), Labcorp
Classification: Uncertain significance for Autosomal dominant limb-girdle muscular dystrophy type 1G. Last evaluated: 2024-12-16. Review status: criteria provided, single submitter. Criteria: Invitae Variant Classification Sherloc (09022015). Collection method: clinical testing. Allele origin: germline.
Comment: This sequence change replaces glycine, which is neutral and non-polar, with valine, which is neutral and non-polar, at codon 53 of the HNRNPDL protein (p.Gly53Val). This variant is not present in population databases (gnomAD no frequency). This variant has not been reported in the literature in individuals affected with HNRNPDL-related conditions. An algorithm developed to predict the effect of missense changes on protein structure and function (PolyPhen-2) suggests that this variant is likely to be disruptive. In summary, the available evidence is currently insufficient to determine the role of this variant in disease. Therefore, it has been classified as a Variant of Uncertain Significance.

NM_031372.4(HNRNPDL):c.158G>T (p.Gly53Val)

Gene: HNRNPDL (heterogeneous nuclear ribonucleoprotein D like; minus strand). Cytogenetic location: 4q21.22.
Variant type: single nucleotide variant.
Coding change: c.158G>T on transcript NM_031372.4 (MANE Select); coding-DNA position 158, G replaced by T.
Protein change: p.Gly53Val; replaces glycine 53 with valine.
Molecular consequence: missense variant. On other transcripts: non-coding transcript variant (1).
Genome position (GRCh38, 1-based): chr4:82,429,533, C>A on the plus strand (G>T on the coding strand, the complement: HNRNPDL is on the minus strand). VCF-style: chr4-82429533-C-A. GRCh37 (hg19) VCF-style: chr4-83350686-C-A.
Other names: c.158G>T, p.Gly53Val (NM_001207000.1); short protein forms G53V.
Identifiers: ClinVar variation 3619321 (VCV003619321.2).